The following is an entry in ClinVar:

NM_002979.5(SCP2):c.1177G>A (p.Gly393Ser)

Gene: SCP2 (sterol carrier protein 2; plus strand). Cytogenetic location: 1p32.3.
Variant type: single nucleotide variant.
Coding change: c.1177G>A on transcript NM_002979.5 (MANE Select); coding-DNA position 1177, G replaced by A.
Protein change: p.Gly393Ser; replaces glycine 393 with serine.
Molecular consequence: missense variant. On other transcripts: 5 prime UTR variant (3).
Genome position (GRCh38, 1-based): chr1:53,014,985, G>A. VCF-style: chr1-53014985-G-A. GRCh37 (hg19) VCF-style: chr1-53480657-G-A.
Other names: c.-36G>A (NM_001007099.3, NM_001007100.3, NM_001007250.3); c.1105G>A, p.Gly369Ser (NM_001193599.2); c.1045G>A, p.Gly349Ser (NM_001193600.2); c.934G>A, p.Gly312Ser (NM_001193617.2); short protein forms G349S, G369S, G312S, G393S.
Identifiers: ClinVar variation 4712210 (VCV004712210.1).

ClinVar aggregate classification (germline): Uncertain significance (1 of 4 stars; one submission).

Submission:

Labcorp Genetics (formerly Invitae), Labcorp
Classification: Uncertain significance. Last evaluated: 2025-02-03. Review status: criteria provided, single submitter. Criteria: Invitae Variant Classification Sherloc (09022015). Collection method: clinical testing. Allele origin: germline.
Comment: This sequence change replaces glycine, which is neutral and non-polar, with serine, which is neutral and polar, at codon 393 of the SCP2 protein (p.Gly393Ser). This variant is not present in population databases (gnomAD no frequency). This variant has not been reported in the literature in individuals affected with SCP2-related conditions. An algorithm developed to predict the effect of missense changes on protein structure and function (PolyPhen-2) suggests that this variant is likely to be disruptive. In summary, the available evidence is currently insufficient to determine the role of this variant in disease. Therefore, it has been classified as a Variant of Uncertain Significance.